The following is an entry in ClinVar:

ClinVar aggregate classification (germline): Uncertain significance (1 of 4 stars; one submission).

Conditions:
Aicardi-Goutieres syndrome 5. Identifiers: Orphanet 51, MedGen C2749659, MONDO:0013059, OMIM 612952.

gnomAD v4.1: 1 of 1,613,454 alleles (0.000062%); highest among the groups gnomAD compares: Admixed American, 0.0017%; no homozygotes.

Submission:

Labcorp Genetics (formerly Invitae), Labcorp
Classification: Uncertain significance for Aicardi-Goutieres syndrome 5. Last evaluated: 2022-07-19. Review status: criteria provided, single submitter. Criteria: Invitae Variant Classification Sherloc (09022015). Collection method: clinical testing. Allele origin: germline.
Comment: Algorithms developed to predict the effect of missense changes on protein structure and function are either unavailable or do not agree on the potential impact of this missense change (SIFT: "Deleterious"; PolyPhen-2: "Probably Damaging"; Align-GVGD: "Class C0"). In summary, the available evidence is currently insufficient to determine the role of this variant in disease. Therefore, it has been classified as a Variant of Uncertain Significance. ClinVar contains an entry for this variant (Variation ID: 1490886). This variant has not been reported in the literature in individuals affected with SAMHD1-related conditions. This variant is present in population databases (no rsID available, gnomAD 0.003%). This sequence change replaces glycine, which is neutral and non-polar, with glutamic acid, which is acidic and polar, at codon 508 of the SAMHD1 protein (p.Gly508Glu).

NM_015474.4(SAMHD1):c.1523G>A (p.Gly508Glu)

Gene: SAMHD1 (SAM and HD domain containing deoxynucleoside triphosphate triphosphohydrolase 1; minus strand). Cytogenetic location: 20q11.23.
Variant type: single nucleotide variant.
Coding change: c.1523G>A on transcript NM_015474.4 (MANE Select); coding-DNA position 1523, G replaced by A.
Protein change: p.Gly508Glu; replaces glycine 508 with glutamic acid.
Molecular consequence: missense variant. On other transcripts: intron variant (1).
Genome position (GRCh38, 1-based): chr20:36,898,525, C>T on the plus strand (G>A on the coding strand, the complement: SAMHD1 is on the minus strand). VCF-style: chr20-36898525-C-T. GRCh37 (hg19) VCF-style: chr20-35526928-C-T.
Other names: c.1523G>A, p.Gly508Glu (NM_001363733.2); c.1504-566G>A (NM_001363729.2); short protein forms G508E.
Identifiers: ClinVar variation 1490886 (VCV001490886.8), dbSNP rs1363652608, ClinGen allele CA408840359.